The following continues an entry in ClinVar:

NM_000038.6(APC):c.2413C>T (p.Arg805Ter)

Gene: APC. ClinVar aggregate classification (germline): Pathogenic. Pathogenic (9). ClinVar aggregate classification (oncogenicity): Oncogenic.

Submissions 11 to 13 of 13:

PreventionGenetics, part of Exact Sciences
Classification: Pathogenic for APC-related condition. Last evaluated: 2024-01-03. Review status: no assertion criteria provided. Collection method: clinical testing. Allele origin: germline. Not counted in ClinVar's aggregate classification.
Comment: The APC c.2413C>T variant is predicted to result in premature protein termination (p.Arg805*). This variant has been reported in individuals with adenomatous polyposis coli (Table 1, Dobbie et al. 1996. PubMed ID: 8730280; Tables 1 and 4, de Oliveira et al. 2019. PubMed ID: 30897307; Table 1, Lee et al. 2022. PubMed ID: 35189564). This variant has not been reported in a large population database, indicating this variant is rare. It is interpreted as pathogenic in ClinVar. Nonsense variants in APC are expected to be pathogenic. This variant is interpreted as pathogenic.

Diagnostic Laboratory, Department of Genetics, University Medical Center Groningen
Classification: Pathogenic. Review status: no assertion criteria provided. Collection method: clinical testing. Allele origin: germline. Affected: yes. Study: VKGL Data-share Consensus. Not counted in ClinVar's aggregate classification.

Joint Genome Diagnostic Labs from Nijmegen and Maastricht, Radboudumc and MUMC+
Classification: Pathogenic. Review status: no assertion criteria provided. Collection method: clinical testing. Allele origin: germline. Affected: yes. Study: VKGL Data-share Consensus. Not counted in ClinVar's aggregate classification.

Literature cited by the submitters: PubMed 29122597 (cited by Ambry Genetics); PubMed 8730280 (cited by 4 submitters); PubMed 19531215 (cited by Labcorp Genetics (formerly Invitae), Labcorp and Women's Health and Genetics/Laboratory Corporation of America, LabCorp); PubMed 20223039 (cited by Labcorp Genetics (formerly Invitae), Labcorp and Women's Health and Genetics/Laboratory Corporation of America, LabCorp); PubMed 20649969 (cited by Labcorp Genetics (formerly Invitae), Labcorp and All of Us Research Program, National Institutes of Health); PubMed 20924072 (cited by Labcorp Genetics (formerly Invitae), Labcorp); PubMed 30897307 (cited by 4 submitters); PubMed 15311282 (cited by Labcorp Genetics (formerly Invitae), Labcorp); PubMed 17293347 (cited by Labcorp Genetics (formerly Invitae), Labcorp); PubMed 9824584 (cited by Labcorp Genetics (formerly Invitae), Labcorp); PubMed 1316610 (cited by Labcorp Genetics (formerly Invitae), Labcorp); PubMed 27081525 (cited by Labcorp Genetics (formerly Invitae), Labcorp); PubMed 8381579 (cited by Labcorp Genetics (formerly Invitae), Labcorp); PubMed 22135120 (cited by Labcorp Genetics (formerly Invitae), Labcorp); PubMed 28769798 (cited by Center for Genomic Medicine, Rigshospitalet, Copenhagen University Hospital); PubMed 19029688 (cited by All of Us Research Program, National Institutes of Health); PubMed 23159591 (cited by All of Us Research Program, National Institutes of Health); PubMed 26446593 (cited by All of Us Research Program, National Institutes of Health); PubMed 31113927 (cited by All of Us Research Program, National Institutes of Health); PubMed 31591141 (cited by All of Us Research Program, National Institutes of Health); PubMed 33769591 (cited by All of Us Research Program, National Institutes of Health); PubMed 18155426 (cited by Women's Health and Genetics/Laboratory Corporation of America, LabCorp).